The following is an entry in ClinVar:

NM_207361.6(FREM2):c.5954dup (p.Met1985fs)

Gene: FREM2 (FRAS1 related extracellular matrix 2; plus strand). Cytogenetic location: 13q13.3.
Variant type: Duplication.
Coding change: c.5954dup on transcript NM_207361.6 (MANE Select); coding-DNA position 5954, one base duplicated (T; older notation c.5954dupT).
Protein change: p.Met1985fs; shifts the reading frame from methionine 1985.
Molecular consequence: frameshift variant.
Genome position (GRCh38, 1-based): chr13:38,784,743, T duplicated. VCF-style (leftmost placement, unchanged base first): chr13-38784742-A-AT. GRCh37 (hg19) VCF-style: chr13-39358879-A-AT.
Other names: short protein forms M1985fs.
Identifiers: ClinVar variation 285788 (VCV000285788.12), dbSNP rs886043213, ClinGen allele CA10605249.
Genomic context (GRCh38, chr13:38,784,742, plus strand): 5'-ATAATTGATGACTCTTTGTACGAGGAGGAGGAAACCTTCCATGTCCTTCTGAGCATGCCC[A>AT]TGGGGGGAAGAATCGGATCAGAGTTCCCAGGGGCTCAAGTTACAATCGTTCCTGACAAAG-3'

ClinVar aggregate classification (germline): Pathogenic/Likely pathogenic. Review status: criteria provided, multiple submitters, no conflicts (2 of 4 stars). 4 submissions from 4 submitters: Pathogenic (2); Likely pathogenic (2). Last evaluated 2024-02-16.

Conditions:
Fraser syndrome 2 (FRASRS2). Identifiers: MedGen C4540036, MONDO:0054738, OMIM 617666.
Isolated cryptophthalmia. Also called: Cryptophthalmos, unilateral or bilateral, isolated; ANKYLOBLEPHARON, SIMPLE. Identifiers: Orphanet 91396, MedGen C1852453, MONDO:0007410, OMIM 123570.

Allele frequency attached by ClinVar (database versions not stated): gnomAD exomes below 0.00001; TOPMed below 0.00001.

Submissions (4):

Fulgent Genetics
Classification: Likely pathogenic for Isolated cryptophthalmia; Fraser syndrome 2. Last evaluated: 2024-02-16. Review status: criteria provided, single submitter. Criteria: ACMG Guidelines, 2015. Collection method: clinical testing. Allele origin: germline.

Labcorp Genetics (formerly Invitae), Labcorp
Classification: Pathogenic. Last evaluated: 2023-05-04. Review status: criteria provided, single submitter. Criteria: Invitae Variant Classification Sherloc (09022015). Collection method: clinical testing. Allele origin: germline.
Comment: This variant is not present in population databases (gnomAD no frequency). This sequence change creates a premature translational stop signal (p.Met1985Ilefs*19) in the FREM2 gene. It is expected to result in an absent or disrupted protein product. Loss-of-function variants in FREM2 are known to be pathogenic (PMID: 18203166, 26552811). This variant has not been reported in the literature in individuals affected with FREM2-related conditions. For these reasons, this variant has been classified as Pathogenic. ClinVar contains an entry for this variant (Variation ID: 285788).

GeneDx
Classification: Likely pathogenic. Last evaluated: 2019-03-06. Review status: criteria provided, single submitter. Criteria: GeneDx Variant Classification (06012015). Collection method: clinical testing. Allele origin: germline. Affected: yes.
Comment: The c.5954dupT variant in the FREM2 gene has not been reported previously as a pathogenic variant nor as a benign variant, to our knowledge. The c.5954ddupT variant causes a frameshift starting with codon Methionine 1985, changes this amino acid to an Isoleucine residue, and creates a premature Stop codon at position 19 of the new reading frame, denoted p.Met1985IlefsX19. This variant is predicted to cause loss of normal protein function either through protein truncation or nonsense-mediated mRNA decay. The c.5954dupT variant is not observed in large population cohorts (Lek et al., 2016). We interpret c.5954dupT as a likely pathogenic variant.

Eurofins Ntd Llc (ga)
Classification: Pathogenic. Last evaluated: 2016-02-05. Review status: criteria provided, single submitter. Criteria: EGL Classification Definitions. Collection method: clinical testing. Allele origin: germline. Observed: 1 variant allele, 1 heterozygote.

Literature cited by the submitters: PubMed 18203166 (cited by Labcorp Genetics (formerly Invitae), Labcorp); PubMed 26552811 (cited by Labcorp Genetics (formerly Invitae), Labcorp).